The following is an entry in ClinVar:

ClinVar aggregate classification (germline): Uncertain significance (1 of 4 stars; one submission).

Submission:

GeneDx
Classification: Uncertain significance. Last evaluated: 2026-03-10. Review status: criteria provided, single submitter. Criteria: GeneDx Variant Classification Process June 2021. Collection method: clinical testing. Allele origin: germline.
Comment: Not observed at significant frequency in large population cohorts (gnomAD); In silico analysis supports that this missense variant has a deleterious effect on protein structure/function; Has not been previously published as pathogenic or benign to our knowledge; Not located in the triple helical region, where the majority of pathogenic missense variants occur (HGMD)

NM_000088.4(COL1A1):c.118T>G (p.Cys40Gly)

Gene: COL1A1 (collagen type I alpha 1 chain; minus strand). Cytogenetic location: 17q21.33.
Variant type: single nucleotide variant.
Coding change: c.118T>G on transcript NM_000088.4 (MANE Select); coding-DNA position 118, T replaced by G.
Protein change: p.Cys40Gly; replaces cysteine 40 with glycine.
Molecular consequence: missense variant.
Genome position (GRCh38, 1-based): chr17:50,199,933, A>C on the plus strand (T>G on the coding strand, the complement: COL1A1 is on the minus strand). VCF-style: chr17-50199933-A-C. GRCh37 (hg19) VCF-style: chr17-48277294-A-C.
Other names: short protein forms C40G.
Identifiers: ClinVar variation 5008879 (VCV005008879.1).
Genomic context (GRCh38, chr17:50,199,933, plus strand): 5'-TCCGGCAGGGCTCGGGTTTCCACACGTCTCGGTCATGGTACCTGAGGCCGTTCTGTACGC[A>C]GGTGATTGGTGGGACTGGGACAGGCGGAAGAGGGGCGTTGTCAGTAGTGACTGCAACCCC-3'
Protein context (NP_000079.2, residues 30-50): GQDEDIPPIT[Cys40Gly]VQNGLRYHDR